The following is an entry in ClinVar:

NM_001172509.2(SATB2):c.2015A>T (p.His672Leu)

Genes: SATB2 (SATB homeobox 2; minus strand), LOC126806462 (MED14-independent group 3 enhancer GRCh37_chr2:200136608-200137807; plus strand). Cytogenetic location: 2q33.1.
Variant type: single nucleotide variant.
Coding change: c.2015A>T on transcript NM_001172509.2 (MANE Select); coding-DNA position 2015, A replaced by T.
Protein change: p.His672Leu; replaces histidine 672 with leucine.
Molecular consequence: missense variant.
Genome position (GRCh38, 1-based): chr2:199,272,398, T>A on the plus strand (A>T on the coding strand, the complement: SATB2 is on the minus strand). VCF-style: chr2-199272398-T-A. GRCh37 (hg19) VCF-style: chr2-200137121-T-A.
Other names: c.2015A>T, p.His672Leu (NM_001172517.1, NM_015265.4); short protein forms H672L.
Identifiers: ClinVar variation 1695525 (VCV001695525.2), dbSNP rs2105706935, ClinGen allele CA350385487.

ClinVar aggregate classification (germline): Uncertain significance (1 of 4 stars; one submission).

Submission:

GeneDx
Classification: Uncertain significance. Last evaluated: 2022-07-05. Review status: criteria provided, single submitter. Criteria: GeneDx Variant Classification Process June 2021. Collection method: clinical testing. Allele origin: germline. Affected: yes.
Comment: Not observed at significant frequency in large population cohorts (gnomAD); In silico analysis supports that this missense variant has a deleterious effect on protein structure/function; Has not been previously published as pathogenic or benign to our knowledge